The following is an entry in ClinVar:

ClinVar aggregate classification (germline): Conflicting classifications of pathogenicity. Review status: criteria provided, conflicting classifications (1 of 4 stars). 3 submissions from 3 submitters: Uncertain significance (2); Likely benign (1). Last evaluated 2024-02-13.

Conditions:
Inborn genetic diseases. Identifiers: MedGen C0950123, MeSH D030342.
Kabuki syndrome 1 (KABUK1). Also called: KMT2D-Related Kabuki Syndrome. Identifiers: Orphanet 2322, MedGen CN030661, MONDO:0007843, OMIM 147920.
Kabuki syndrome. Also called: Kabuki make-up syndrome; NIIKAWA-KUROKI SYNDROME. Identifiers: Orphanet 2322, MedGen C0796004, MONDO:0016512.

Submissions (3):

Labcorp Genetics (formerly Invitae), Labcorp
Classification: Uncertain significance for Kabuki syndrome. Last evaluated: 2024-02-13. Review status: criteria provided, single submitter. Criteria: Invitae Variant Classification Sherloc (09022015). Collection method: clinical testing. Allele origin: germline.
Comment: This sequence change replaces threonine, which is neutral and polar, with serine, which is neutral and polar, at codon 2203 of the KMT2D protein (p.Thr2203Ser). This variant is not present in population databases (gnomAD no frequency). This variant has not been reported in the literature in individuals affected with KMT2D-related conditions. ClinVar contains an entry for this variant (Variation ID: 931078). Advanced modeling of protein sequence and biophysical properties (such as structural, functional, and spatial information, amino acid conservation, physicochemical variation, residue mobility, and thermodynamic stability) performed at Invitae indicates that this missense variant is not expected to disrupt KMT2D protein function with a negative predictive value of 95%. In summary, the available evidence is currently insufficient to determine the role of this variant in disease. Therefore, it has been classified as a Variant of Uncertain Significance.

Ambry Genetics
Classification: Uncertain significance for Inborn genetic diseases. Last evaluated: 2022-05-26. Review status: criteria provided, single submitter. Criteria: Ambry Variant Classification Scheme 2023. Collection method: clinical testing. Allele origin: germline.

Centre for Mendelian Genomics, University Medical Centre Ljubljana
Classification: Likely benign for Kabuki syndrome 1. Last evaluated: 2016-01-01. Review status: criteria provided, single submitter. Criteria: ACMG Guidelines, 2015. Collection method: clinical testing. Allele origin: unknown. Affected: yes.
Comment: This variant was classified as: Likely benign. The following ACMG criteria were applied in classifying this variant: PM2,BP1,BP4.

NM_003482.4(KMT2D):c.6607A>T (p.Thr2203Ser)

Gene: KMT2D (lysine methyltransferase 2D; minus strand). Cytogenetic location: 12q13.12.
Variant type: single nucleotide variant.
Coding change: c.6607A>T on transcript NM_003482.4 (MANE Select); coding-DNA position 6607, A replaced by T.
Protein change: p.Thr2203Ser; replaces threonine 2203 with serine.
Molecular consequence: missense variant.
Genome position (GRCh38, 1-based): chr12:49,041,163, T>A on the plus strand (A>T on the coding strand, the complement: KMT2D is on the minus strand). VCF-style: chr12-49041163-T-A. GRCh37 (hg19) VCF-style: chr12-49434946-T-A.
Other names: short protein forms T2203S.
Identifiers: ClinVar variation 931078 (VCV000931078.8), dbSNP rs1943505364, ClinGen allele CA384750318.